The following is an entry in ClinVar:

ClinVar aggregate classification (germline): Benign. Review status: criteria provided, multiple submitters, no conflicts (2 of 4 stars). 5 submissions from 5 submitters: Benign (4). 1 of the submissions does not count toward it. Last evaluated 2026-02-04.

Conditions:
Pyruvate dehydrogenase E3-binding protein deficiency (PDHXD). Also called: LACTIC ACIDEMIA DUE TO DEFECT IN LIPOYL-CONTAINING COMPONENT X OF THE PYRUVATE DEHYDROGENASE COMPLEX; E3-Binding Protein (Component X) Deficiency; Lacticacidemia due to PDX1 deficiency; PYRUVATE HYDROGENASE E3-BINDING PROTEIN DEFICIENCY. Identifiers: Orphanet 255182, MedGen C1855553, MONDO:0009503, OMIM 245349.

Allele frequency attached by ClinVar (database versions not stated): gnomAD 0.02292 and 0.02522; TOPMed 0.02399; 1000 Genomes Project 30x 0.03201; 1000 Genomes Project 0.03235; ExAC 0.03667; ESP Exome Variant Server 0.02269.
gnomAD v4.1: 49,854 of 1,613,826 alleles (3.1%); highest among the groups gnomAD compares: South Asian, 8.4%; 1,097 homozygotes.

Submissions (5):

Labcorp Genetics (formerly Invitae), Labcorp
Classification: Benign. Last evaluated: 2026-02-04. Review status: criteria provided, single submitter. Criteria: Invitae Variant Classification Sherloc (09022015). Collection method: clinical testing. Allele origin: germline.

Illumina Laboratory Services, Illumina
Classification: Benign for Pyruvate dehydrogenase E3-binding protein deficiency. Last evaluated: 2018-01-13. Review status: criteria provided, single submitter. Criteria: ICSL Variant Classification Criteria 13 December 2019. Collection method: clinical testing. Allele origin: germline.
Comment: This variant was observed in the ICSL laboratory as part of a predisposition screen in an ostensibly healthy population. It had not been previously curated by ICSL or reported in the Human Gene Mutation Database (HGMD: prior to June 1st, 2018), and was therefore a candidate for classification through an automated scoring system. Utilizing variant allele frequency, disease prevalence and penetrance estimates, and inheritance mode, an automated score was calculated to assess if this variant is too frequent to cause the disease. Based on the score and internal cut-off values, a variant classified as benign is not then subjected to further curation. The score for this variant resulted in a classification of benign for this disease.

GeneDx
Classification: Benign. Last evaluated: 2012-05-22. Review status: criteria provided, single submitter. Criteria: GeneDx Variant Classification (06012015). Collection method: clinical testing. Allele origin: germline. Affected: yes.
Comment: This variant is considered likely benign or benign based on one or more of the following criteria: it is a conservative change, it occurs at a poorly conserved position in the protein, it is predicted to be benign by multiple in silico algorithms, and/or has population frequency not consistent with disease.

Breakthrough Genomics
Classification: Benign. Review status: criteria provided, single submitter. Criteria: ACMG Guidelines, 2015. Collection method: not provided. Allele origin: germline. Inheritance: Autosomal recessive inheritance. Affected: yes.

Mayo Clinic Laboratories, Mayo Clinic
Classification: Benign. Last evaluated: 2016-02-25. Review status: no assertion criteria provided. Collection method: clinical testing. Allele origin: unknown. Not counted in ClinVar's aggregate classification.

NM_003477.3(PDHX):c.507C>T (p.Ile169=)

Gene: PDHX (pyruvate dehydrogenase complex component X; plus strand). Cytogenetic location: 11p13.
Variant type: single nucleotide variant.
Coding change: c.507C>T on transcript NM_003477.3 (MANE Select); coding-DNA position 507, C replaced by T.
Protein change: p.Ile169=; no amino-acid change (isoleucine 169 retained).
Molecular consequence: synonymous variant. On other transcripts: intron variant (1).
Genome position (GRCh38, 1-based): chr11:34,957,548, C>T. VCF-style: chr11-34957548-C-T. GRCh37 (hg19) VCF-style: chr11-34979095-C-T.
Other names: p.I169I:ATC>ATT; c.327C>T, p.Ile109= (NM_001135024.2); c.342+9942C>T (NM_001166158.2).
Identifiers: ClinVar variation 138659 (VCV000138659.18), dbSNP rs79170416, ClinGen allele CA292741.